The following is an entry in ClinVar:

ClinVar aggregate classification (germline): Likely benign. Review status: criteria provided, multiple submitters, no conflicts (2 of 4 stars). 3 submissions from 3 submitters: Likely benign (3). Last evaluated 2026-01-25.

Conditions:
Fucosidosis. Also called: ALPHA-L-FUCOSIDASE DEFICIENCY. Identifiers: Orphanet 349, MedGen C0016788, MONDO:0009254, OMIM 230000.

Allele frequency attached by ClinVar (database versions not stated): gnomAD exomes 0.00004 and 0.00012; ExAC 0.00018; gnomAD 0.00033 and 0.00034; 1000 Genomes Project 0.00040; TOPMed 0.00042; 1000 Genomes Project 30x 0.00047; ESP Exome Variant Server 0.00054.
gnomAD v4.1: 108 of 1,614,204 alleles (0.0067%); highest among the groups gnomAD compares: African/African-American, 0.12%; no homozygotes.

Submissions (3):

Labcorp Genetics (formerly Invitae), Labcorp
Classification: Likely benign for Fucosidosis. Last evaluated: 2026-01-25. Review status: criteria provided, single submitter. Criteria: Invitae Variant Classification Sherloc (09022015). Collection method: clinical testing. Allele origin: germline.

CeGaT Center for Human Genetics Tuebingen
Classification: Likely benign. Last evaluated: 2023-09-01. Review status: criteria provided, single submitter. Criteria: CeGaT Center For Human Genetics Tuebingen Variant Classification Criteria Version 2. Collection method: clinical testing. Allele origin: germline. Affected: yes. Observed: 1 variant allele.
Comment: FUCA1: BP4, BP7

Blueprint Genetics
Classification: Likely benign. Last evaluated: 2022-10-26. Review status: criteria provided, single submitter. Criteria: ACMG Guidelines, 2015. Collection method: clinical testing. Allele origin: germline.

NM_000147.5(FUCA1):c.502T>C (p.Leu168=)

Genes: FUCA1 (alpha-L-fucosidase 1; minus strand), LOC126805661 (BRD4-independent group 4 enhancer GRCh37_chr1:24191742-24192941; plus strand). Cytogenetic location: 1p36.11.
Variant type: single nucleotide variant.
Coding change: c.502T>C on transcript NM_000147.5 (MANE Select); coding-DNA position 502, T replaced by C.
Protein change: p.Leu168=; no amino-acid change (leucine 168 retained).
Molecular consequence: synonymous variant.
Genome position (GRCh38, 1-based): chr1:23,865,513, A>G on the plus strand (T>C on the coding strand, the complement: FUCA1 is on the minus strand). VCF-style: chr1-23865513-A-G. GRCh37 (hg19) VCF-style: chr1-24192003-A-G.
Identifiers: ClinVar variation 1586759 (VCV001586759.33), dbSNP rs147389792, ClinGen allele CA686531.
Genomic context (GRCh38, chr1:23,865,513, plus strand): 5'-CCAAAGAGATAACAGAGTAACCATCCCTGGACACTCACCTCTTCCGGAGAGCTGTTCCCA[A>G]TTCACCAACCAAATCCCGATGAGGCCCCACGTCTTTGGAGTTCCAGTTCCAAGACACAGG-3'
Protein context (NP_000138.2, residues 158-178): VGPHRDLVGE[Leu168=]GTALRKRNIR